The following is an entry in ClinVar:

NM_001127222.2(CACNA1A):c.446G>C (p.Gly149Ala)

Gene: CACNA1A (calcium voltage-gated channel subunit alpha1 A; minus strand). Cytogenetic location: 19p13.13.
Variant type: single nucleotide variant.
Coding change: c.446G>C on transcript NM_001127222.2 (MANE Select); coding-DNA position 446, G replaced by C.
Protein change: p.Gly149Ala; replaces glycine 149 with alanine.
Molecular consequence: missense variant.
Genome position (GRCh38, 1-based): chr19:13,452,969, C>G on the plus strand (G>C on the coding strand, the complement: CACNA1A is on the minus strand). VCF-style: chr19-13452969-C-G. GRCh37 (hg19) VCF-style: chr19-13563783-C-G.
Other names: c.446G>C, p.Gly149Ala (NM_000068.4, NM_001127221.2, NM_001174080.2 and 1 more transcripts); short protein forms G149A.
Identifiers: ClinVar variation 5037284 (VCV005037284.1).

ClinVar aggregate classification (germline): Uncertain significance (1 of 4 stars; one submission).

gnomAD v4.1: 1 of 1,613,944 alleles (0.000062%); highest among the groups gnomAD compares: Admixed American, 0.0017%; no homozygotes.

Submission:

GeneDx
Classification: Uncertain significance. Last evaluated: 2026-04-17. Review status: criteria provided, single submitter. Criteria: GeneDx Variant Classification Process June 2021. Collection method: clinical testing. Allele origin: germline.
Comment: Not observed at significant frequency in large population cohorts (gnomAD); In silico analysis supports that this missense variant has a deleterious effect on protein structure/function; Has not been previously published as pathogenic or benign to our knowledge